The following is an entry in ClinVar:

NM_001385079.1(PDE10A):c.2670G>C (p.Glu890Asp)

Gene: PDE10A (phosphodiesterase 10A; minus strand). Cytogenetic location: 6q27.
Variant type: single nucleotide variant.
Coding change: c.2670G>C on transcript NM_001385079.1 (MANE Select); coding-DNA position 2670, G replaced by C.
Protein change: p.Glu890Asp; replaces glutamic acid 890 with aspartic acid.
Molecular consequence: missense variant.
Genome position (GRCh38, 1-based): chr6:165,379,307, C>G on the plus strand (G>C on the coding strand, the complement: PDE10A is on the minus strand). VCF-style: chr6-165379307-C-G. GRCh37 (hg19) VCF-style: chr6-165792796-C-G.
Other names: c.1872G>C, p.Glu624Asp (NM_001130690.3); c.1842G>C, p.Glu614Asp (NM_006661.4); short protein forms E614D, E890D, E624D.
Identifiers: ClinVar variation 2861894 (VCV002861894.3), dbSNP rs760870734, ClinGen allele CA366392419.

ClinVar aggregate classification (germline): Uncertain significance (1 of 4 stars; one submission).

Submission:

Labcorp Genetics (formerly Invitae), Labcorp
Classification: Uncertain significance. Last evaluated: 2023-07-25. Review status: criteria provided, single submitter. Criteria: Invitae Variant Classification Sherloc (09022015). Collection method: clinical testing. Allele origin: germline.
Comment: This sequence change replaces glutamic acid, which is acidic and polar, with aspartic acid, which is acidic and polar, at codon 624 of the PDE10A protein (p.Glu624Asp). This variant is not present in population databases (gnomAD no frequency). This variant has not been reported in the literature in individuals affected with PDE10A-related conditions. Advanced modeling of protein sequence and biophysical properties (such as structural, functional, and spatial information, amino acid conservation, physicochemical variation, residue mobility, and thermodynamic stability) performed at Invitae indicates that this missense variant is not expected to disrupt PDE10A protein function. In summary, the available evidence is currently insufficient to determine the role of this variant in disease. Therefore, it has been classified as a Variant of Uncertain Significance.